The following is an entry in ClinVar:

ClinVar aggregate classification (germline): Uncertain significance (1 of 4 stars; one submission).

Submission:

GeneDx
Classification: Uncertain significance. Last evaluated: 2025-02-14. Review status: criteria provided, single submitter. Criteria: GeneDx Variant Classification Process June 2021. Collection method: clinical testing. Allele origin: germline. Affected: yes.
Comment: Not observed at significant frequency in large population cohorts (gnomAD); In silico analysis indicates that this missense variant does not alter protein structure/function; Has not been previously published as pathogenic or benign to our knowledge

NM_014915.3(ANKRD26):c.3965C>T (p.Ala1322Val)

Gene: ANKRD26 (ankyrin repeat domain containing 26; minus strand). Cytogenetic location: 10p12.1.
Variant type: single nucleotide variant.
Coding change: c.3965C>T on transcript NM_014915.3 (MANE Select); coding-DNA position 3965, C replaced by T.
Protein change: p.Ala1322Val; replaces alanine 1322 with valine.
Molecular consequence: missense variant.
Genome position (GRCh38, 1-based): chr10:27,028,859, G>A on the plus strand (C>T on the coding strand, the complement: ANKRD26 is on the minus strand). VCF-style: chr10-27028859-G-A. GRCh37 (hg19) VCF-style: chr10-27317788-G-A.
Other names: c.3962C>T, p.Ala1321Val (NM_001256053.2); short protein forms A1321V, A1322V.
Identifiers: ClinVar variation 4075706 (VCV004075706.1).